The following is an entry in ClinVar:

ClinVar aggregate classification (germline): Uncertain significance (1 of 4 stars; one submission).

Allele frequency attached by ClinVar (database versions not stated): gnomAD exomes 0.00001 and 0.00003; ExAC 0.00003; gnomAD 0.00008 and 0.00009; TOPMed 0.00010.
gnomAD v4.1: 23 of 1,575,162 alleles (0.0015%); highest among the groups gnomAD compares: African/African-American, 0.024%; no homozygotes.

Submission:

Labcorp Genetics (formerly Invitae), Labcorp
Classification: Uncertain significance. Last evaluated: 2025-06-23. Review status: criteria provided, single submitter. Criteria: Invitae Variant Classification Sherloc (09022015). Collection method: clinical testing. Allele origin: germline.
Comment: This sequence change replaces proline, which is neutral and non-polar, with leucine, which is neutral and non-polar, at codon 69 of the TGFB1 protein (p.Pro69Leu). This variant is present in population databases (rs745931726, gnomAD 0.02%). This variant has not been reported in the literature in individuals affected with TGFB1-related conditions. ClinVar contains an entry for this variant (Variation ID: 1511180). An algorithm developed to predict the effect of missense changes on protein structure and function (PolyPhen-2) suggests that this variant is likely to be disruptive. In summary, the available evidence is currently insufficient to determine the role of this variant in disease. Therefore, it has been classified as a Variant of Uncertain Significance.

NM_000660.7(TGFB1):c.206C>T (p.Pro69Leu)

Genes: TGFB1 (transforming growth factor beta 1; minus strand), LOC130064510 (ATAC-STARR-seq lymphoblastoid silent region 10661; plus strand). Cytogenetic location: 19q13.2.
Variant type: single nucleotide variant.
Coding change: c.206C>T on transcript NM_000660.7 (MANE Select); coding-DNA position 206, C replaced by T.
Protein change: p.Pro69Leu; replaces proline 69 with leucine.
Molecular consequence: missense variant.
Genome position (GRCh38, 1-based): chr19:41,352,839, G>A on the plus strand (C>T on the coding strand, the complement: TGFB1 is on the minus strand). VCF-style: chr19-41352839-G-A. GRCh37 (hg19) VCF-style: chr19-41858744-G-A.
Other names: short protein forms P69L.
Identifiers: ClinVar variation 1511180 (VCV001511180.8), dbSNP rs745931726, ClinGen allele CA9460162.